The following is an entry in ClinVar:

ClinVar aggregate classification (germline): Uncertain significance. Review status: criteria provided, multiple submitters, no conflicts (2 of 4 stars). 2 submissions from 2 submitters: Uncertain significance (2). Last evaluated 2024-01-11.

Conditions:
Acrocallosal syndrome (ACLS). Also called: HALLUX DUPLICATION, POSTAXIAL POLYDACTYLY, AND ABSENCE OF CORPUS CALLOSUM; Schinzel syndrome 1; Absence of corpus callosum with unusual facial appearance, mental deficiency, duplication of the halluces and polydactyly. Identifiers: Orphanet 36, MedGen C0796147, MONDO:0008708, OMIM 200990.
Multiple epiphyseal dysplasia, Al-Gazali type. Also called: Macrocephaly with multiple epiphyseal dysplasia and distinctive facies. Identifiers: Orphanet 166024, MedGen C1846722, MONDO:0011778, OMIM 607131.
Hydrolethalus syndrome 2 (HLS2). Identifiers: Orphanet 2189, MedGen C3279899, MONDO:0013585, OMIM 614120.

Allele frequency attached by ClinVar (database versions not stated): ExAC 0.00001; TOPMed 0.00001; gnomAD exomes 0.00002; 1000 Genomes Project 0.00020; 1000 Genomes Project 30x 0.00031.
gnomAD v4.1: 24 of 1,611,352 alleles (0.0015%); highest among the groups gnomAD compares: Non-Finnish European, 0.0017%; no homozygotes.

Submissions (2):

Fulgent Genetics
Classification: Uncertain significance for Acrocallosal syndrome; Multiple epiphyseal dysplasia, Al-Gazali type; Hydrolethalus syndrome 2. Last evaluated: 2024-01-11. Review status: criteria provided, single submitter. Criteria: ACMG Guidelines, 2015. Collection method: clinical testing. Allele origin: germline.

Labcorp Genetics (formerly Invitae), Labcorp
Classification: Uncertain significance for Acrocallosal syndrome. Last evaluated: 2022-07-23. Review status: criteria provided, single submitter. Criteria: Invitae Variant Classification Sherloc (09022015). Collection method: clinical testing. Allele origin: germline.
Comment: This sequence change replaces arginine, which is basic and polar, with glutamine, which is neutral and polar, at codon 1325 of the KIF7 protein (p.Arg1325Gln). This variant is present in population databases (rs73477443, gnomAD 0.02%). This variant has not been reported in the literature in individuals affected with KIF7-related conditions. ClinVar contains an entry for this variant (Variation ID: 1371618). Algorithms developed to predict the effect of missense changes on protein structure and function are either unavailable or do not agree on the potential impact of this missense change (SIFT: "Deleterious"; PolyPhen-2: "Possibly Damaging"; Align-GVGD: "Class C0"). In summary, the available evidence is currently insufficient to determine the role of this variant in disease. Therefore, it has been classified as a Variant of Uncertain Significance.

NM_198525.3(KIF7):c.3974G>A (p.Arg1325Gln)

Gene: KIF7 (kinesin family member 7; minus strand). Cytogenetic location: 15q26.1.
Variant type: single nucleotide variant.
Coding change: c.3974G>A on transcript NM_198525.3 (MANE Select); coding-DNA position 3974, G replaced by A.
Protein change: p.Arg1325Gln; replaces arginine 1325 with glutamine.
Molecular consequence: missense variant.
Genome position (GRCh38, 1-based): chr15:89,628,477, C>T on the plus strand (G>A on the coding strand, the complement: KIF7 is on the minus strand). VCF-style: chr15-89628477-C-T. GRCh37 (hg19) VCF-style: chr15-90171708-C-T.
Other names: short protein forms R1325Q.
Identifiers: ClinVar variation 1371618 (VCV001371618.4), dbSNP rs73477443, ClinGen allele CA7727462.